The following is an entry in ClinVar:

NM_001148.6(ANK2):c.555T>G (p.Asn185Lys)

Gene: ANK2 (ankyrin 2; plus strand). Cytogenetic location: 4q26.
Variant type: single nucleotide variant.
Coding change: c.555T>G on transcript NM_001148.6 (MANE Select); coding-DNA position 555, T replaced by G.
Protein change: p.Asn185Lys; replaces asparagine 185 with lysine.
Molecular consequence: missense variant.
Genome position (GRCh38, 1-based): chr4:113,237,058, T>G. VCF-style: chr4-113237058-T-G. GRCh37 (hg19) VCF-style: chr4-114158214-T-G.
Other names: c.600T>G, p.Asn200Lys (NM_001354231.2, NM_001354237.2, NM_001354240.2 and 5 more transcripts); c.555T>G, p.Asn185Lys (NM_001354232.2, NM_001354235.2, NM_001354236.2 and 9 more transcripts); c.492T>G, p.Asn164Lys (NM_001354239.2, NM_001354256.2, NM_001354257.2 and 33 more transcripts); c.537T>G, p.Asn179Lys (NM_001354261.2, NM_001386147.1, NM_001386160.1); c.543T>G, p.Asn181Lys (NM_001386148.2, NM_001386186.2, NM_001386187.2 and 1 more transcripts); c.606T>G, p.Asn202Lys (NM_001386174.1, NM_001386175.1); short protein forms N185K, N164K, N179K, N200K, N181K, N202K.
Identifiers: ClinVar variation 527011 (VCV000527011.10), dbSNP rs780370907, ClinGen allele CA103795822.

ClinVar aggregate classification (germline): Uncertain significance. Review status: criteria provided, multiple submitters, no conflicts (2 of 4 stars). 2 submissions from 2 submitters: Uncertain significance (2). Last evaluated 2026-07-13.

Conditions:
Long QT syndrome (LQTS). Identifiers: MedGen C0023976, MeSH D008133, MONDO:0002442. Disease mechanism: loss of function. Inheritance: Various modes of inheritance.
Cardiovascular phenotype. Identifiers: MedGen CN230736.

Allele frequency attached by ClinVar (database versions not stated): gnomAD 0.00001; TOPMed 0.00002.
gnomAD v4.1: 1 of 1,614,062 alleles (0.000062%); highest among the groups gnomAD compares: Non-Finnish European, 0.000085%; no homozygotes.

Submissions (2):

Ambry Genetics
Classification: Uncertain significance for Cardiovascular phenotype. Last evaluated: 2026-07-13. Review status: criteria provided, single submitter. Criteria: Ambry Variant Classification Scheme 2023. Collection method: clinical testing. Allele origin: germline.

Labcorp Genetics (formerly Invitae), Labcorp
Classification: Uncertain significance for Long QT syndrome. Last evaluated: 2023-09-15. Review status: criteria provided, single submitter. Criteria: Invitae Variant Classification Sherloc (09022015). Collection method: clinical testing. Allele origin: germline.
Comment: In summary, the available evidence is currently insufficient to determine the role of this variant in disease. Therefore, it has been classified as a Variant of Uncertain Significance. Advanced modeling of protein sequence and biophysical properties (such as structural, functional, and spatial information, amino acid conservation, physicochemical variation, residue mobility, and thermodynamic stability) has been performed at Invitae for this missense variant, however the output from this modeling did not meet the statistical confidence thresholds required to predict the impact of this variant on ANK2 protein function. ClinVar contains an entry for this variant (Variation ID: 527011). This variant has not been reported in the literature in individuals affected with ANK2-related conditions. This variant is not present in population databases (gnomAD no frequency). This sequence change replaces asparagine, which is neutral and polar, with lysine, which is basic and polar, at codon 185 of the ANK2 protein (p.Asn185Lys).